The following is an entry in ClinVar:

ClinVar aggregate classification (germline): Conflicting classifications of pathogenicity. Review status: criteria provided, conflicting classifications (1 of 4 stars). 10 submissions from 9 submitters: Uncertain significance (1); Benign (4); Likely benign (1). 4 of the submissions do not count toward it. Last evaluated 2025-04-16.

Conditions:
Dilated cardiomyopathy 1HH (CMD1HH). Identifiers: Orphanet 154, MedGen C3151293, MONDO:0013479, OMIM 613881.
Myofibrillar myopathy 6. Identifiers: Orphanet 199340, MedGen C2751831, MONDO:0013061, OMIM 612954.

Allele frequency attached by ClinVar (database versions not stated): 1000 Genomes Project 30x 0.00016; 1000 Genomes Project 0.00020; gnomAD 0.00206 and 0.00218; TOPMed 0.00237; ESP Exome Variant Server 0.00256; gnomAD exomes 0.00261 and 0.00378; ExAC 0.00317.
gnomAD v4.1: 5,527 of 1,546,724 alleles (0.36%); highest among the groups gnomAD compares: Non-Finnish European, 0.43%; 8 homozygotes.

Submissions (10):

ARUP Laboratories, Molecular Genetics and Genomics, ARUP Laboratories
Classification: Benign. Last evaluated: 2025-04-16. Review status: criteria provided, single submitter. Criteria: ARUP Molecular Germline Variant Investigation Process 2024. Collection method: clinical testing. Allele origin: germline.

Blueprint Genetics
Classification: Likely benign. Last evaluated: 2024-11-27. Review status: criteria provided, single submitter. Criteria: ACMG Guidelines, 2015. Collection method: clinical testing. Allele origin: germline.

Women's Health and Genetics/Laboratory Corporation of America, LabCorp
Classification: Benign. Last evaluated: 2019-11-18. Review status: criteria provided, single submitter. Criteria: LabCorp Variant Classification Summary - May 2015. Collection method: clinical testing. Allele origin: germline.
Comment: Variant summary: BAG3 c.-17G>A is located in the untranslated mRNA region upstream of the initiation codon. The variant allele was found at a frequency of 0.0026 in 187556 control chromosomes in the gnomAD database, including 1 homozygotes. The observed variant frequency is approximately 104.5 fold of the estimated maximal expected allele frequency for a pathogenic variant in BAG3 causing Cardiomyopathy phenotype (2.5e-05), strongly suggesting that the variant is benign. To our knowledge, no occurrence of c.-17G>A in individuals affected with Cardiomyopathy and no experimental evidence demonstrating its impact on protein function have been reported. One clinical diagnostic laboratory has submitted clinical-significance assessments for this variant to ClinVar after 2014 without evidence for independent evaluation. One laboratory classified the variant as likely benign. Based on the evidence outlined above, the variant was classified as benign.

Illumina Laboratory Services, Illumina
Classification: Uncertain significance for Dilated cardiomyopathy 1HH. Last evaluated: 2018-01-12. Review status: criteria provided, single submitter. Criteria: ICSL Variant Classification Criteria 13 December 2019. Collection method: clinical testing. Allele origin: germline.

Illumina Laboratory Services, Illumina
Classification: Benign for Myofibrillar myopathy 6. Last evaluated: 2018-01-12. Review status: criteria provided, single submitter. Criteria: ICSL Variant Classification Criteria 13 December 2019. Collection method: clinical testing. Allele origin: germline.
Comment: This variant was observed in the ICSL laboratory as part of a predisposition screen in an ostensibly healthy population. It had not been previously curated by ICSL or reported in the Human Gene Mutation Database (HGMD: prior to June 1st, 2018), and was therefore a candidate for classification through an automated scoring system. Utilizing variant allele frequency, disease prevalence and penetrance estimates, and inheritance mode, an automated score was calculated to assess if this variant is too frequent to cause the disease. Based on the score and internal cut-off values, a variant classified as benign is not then subjected to further curation. The score for this variant resulted in a classification of benign for this disease.

GeneDx
Classification: Benign. Last evaluated: 2014-04-25. Review status: criteria provided, single submitter. Criteria: GeneDx Variant Classification (06012015). Collection method: clinical testing. Allele origin: germline. Affected: yes.
Comment: This variant is considered likely benign or benign based on one or more of the following criteria: it is a conservative change, it occurs at a poorly conserved position in the protein, it is predicted to be benign by multiple in silico algorithms, and/or has population frequency not consistent with disease.

Clinical Genetics DNA and cytogenetics Diagnostics Lab, Erasmus MC, Erasmus Medical Center
Classification: Benign. Review status: no assertion criteria provided. Collection method: clinical testing. Allele origin: germline. Affected: yes. Study: VKGL Data-share Consensus. Not counted in ClinVar's aggregate classification.

Clinical Genetics, Academic Medical Center
Classification: Benign. Review status: no assertion criteria provided. Collection method: clinical testing. Allele origin: germline. Affected: yes. Study: VKGL Data-share Consensus. Not counted in ClinVar's aggregate classification.

Diagnostic Laboratory, Department of Genetics, University Medical Center Groningen
Classification: Likely benign. Review status: no assertion criteria provided. Collection method: clinical testing. Allele origin: germline. Affected: yes. Study: VKGL Data-share Consensus. Not counted in ClinVar's aggregate classification.

Joint Genome Diagnostic Labs from Nijmegen and Maastricht, Radboudumc and MUMC+
Classification: Benign. Review status: no assertion criteria provided. Collection method: clinical testing. Allele origin: germline. Affected: yes. Study: VKGL Data-share Consensus. Not counted in ClinVar's aggregate classification.

NM_004281.4(BAG3):c.-17G>A

Gene: BAG3 (BAG cochaperone 3; plus strand). Cytogenetic location: 10q26.11.
Variant type: single nucleotide variant.
Coding change: c.-17G>A on transcript NM_004281.4 (MANE Select); 17 bases upstream of the start codon, G replaced by A.
Molecular consequence: 5 prime UTR variant.
Genome position (GRCh38, 1-based): chr10:119,651,659, G>A. VCF-style: chr10-119651659-G-A. GRCh37 (hg19) VCF-style: chr10-121411171-G-A.
Identifiers: ClinVar variation 136494 (VCV000136494.25), dbSNP rs200388926, ClinGen allele CA289665.